The following is an entry in ClinVar:

NM_000316.3(PTH1R):c.1586A>G (p.Asn529Ser)

Gene: PTH1R (parathyroid hormone 1 receptor; plus strand). Cytogenetic location: 3p21.31.
Variant type: single nucleotide variant.
Coding change: c.1586A>G on transcript NM_000316.3 (MANE Select); coding-DNA position 1586, A replaced by G.
Protein change: p.Asn529Ser; replaces asparagine 529 with serine.
Molecular consequence: missense variant.
Genome position (GRCh38, 1-based): chr3:46,903,460, A>G. VCF-style: chr3-46903460-A-G. GRCh37 (hg19) VCF-style: chr3-46944950-A-G.
Other names: c.1586A>G, p.Asn529Ser (NM_001184744.1); short protein forms N529S.
Identifiers: ClinVar variation 345599 (VCV000345599.21), dbSNP rs199740724, ClinGen allele CA2359585.

ClinVar aggregate classification (germline): Uncertain significance. Review status: criteria provided, multiple submitters, no conflicts (2 of 4 stars). 8 submissions from 7 submitters: Uncertain significance (7). 1 of the submissions does not count toward it. Last evaluated 2025-02-26.

Conditions:
Metaphyseal chondrodysplasia, Jansen type. Also called: Metaphyseal chondrodysplasia Murk Jansen type; PTH1R-Related Jansen Metaphyseal Chondrodysplasia. Identifiers: Orphanet 33067, MedGen C0265295, MONDO:0007982, OMIM 156400.
Inborn genetic diseases. Identifiers: MedGen C0950123, MeSH D030342.
PTH1R-related disorder. Also called: PTH1R-related condition.
Primary failure of tooth eruption. Also called: DENTAL NONERUPTION; POSTERIOR OPENBITE MALOCCLUSION, FAMILIAL; PRIMARY RETENTION OF TEETH; UNERUPTED SECOND PRIMARY MOLAR. Identifiers: Orphanet 412206, MedGen C1852222, MONDO:0007434, OMIM 125350.
Chondrodysplasia Blomstrand type (BOCD). Identifiers: Orphanet 50945, MedGen C1859148, MONDO:0008970, OMIM 215045.
Eiken syndrome (EKNS). Also called: BONE MODELING DEFECT OF HANDS AND FEET. Identifiers: Orphanet 79106, MedGen C1838779, MONDO:0010803, OMIM 600002.

Allele frequency attached by ClinVar (database versions not stated): gnomAD 0.00003 and 0.00004; gnomAD exomes 0.00003 and 0.00002; 1000 Genomes Project 30x 0.00031; ExAC 0.00001; TOPMed 0.00002.
gnomAD v4.1: 56 of 1,613,432 alleles (0.0035%); highest among the groups gnomAD compares: Middle Eastern, 0.17%; no homozygotes.

Submissions (8):

Labcorp Genetics (formerly Invitae), Labcorp
Classification: Uncertain significance. Last evaluated: 2025-02-26. Review status: criteria provided, single submitter. Criteria: Invitae Variant Classification Sherloc (09022015). Collection method: clinical testing. Allele origin: germline.
Comment: This sequence change replaces asparagine, which is neutral and polar, with serine, which is neutral and polar, at codon 529 of the PTH1R protein (p.Asn529Ser). This variant is present in population databases (rs199740724, gnomAD 0.009%). This variant has not been reported in the literature in individuals affected with PTH1R-related conditions. ClinVar contains an entry for this variant (Variation ID: 345599). An algorithm developed to predict the effect of missense changes on protein structure and function (PolyPhen-2) suggests that this variant is likely to be disruptive. In summary, the available evidence is currently insufficient to determine the role of this variant in disease. Therefore, it has been classified as a Variant of Uncertain Significance.

Blueprint Genetics
Classification: Uncertain significance. Last evaluated: 2024-11-07. Review status: criteria provided, single submitter. Criteria: ACMG Guidelines, 2015. Collection method: clinical testing. Allele origin: germline.

Fulgent Genetics
Classification: Uncertain significance for Primary failure of tooth eruption; Metaphyseal chondrodysplasia, Jansen type; Chondrodysplasia Blomstrand type; Eiken syndrome. Last evaluated: 2024-03-25. Review status: criteria provided, single submitter. Criteria: ACMG Guidelines, 2015. Collection method: clinical testing. Allele origin: germline.

Ambry Genetics
Classification: Uncertain significance for Inborn genetic diseases. Last evaluated: 2021-12-16. Review status: criteria provided, single submitter. Criteria: Ambry Variant Classification Scheme 2023. Collection method: clinical testing. Allele origin: germline.

Eurofins Ntd Llc (ga)
Classification: Uncertain significance. Last evaluated: 2018-08-02. Review status: criteria provided, single submitter. Criteria: EGL ClinVar v180209 classification definitions. Collection method: clinical testing. Allele origin: germline. Observed: 1 variant allele, 1 heterozygote.

Illumina Laboratory Services, Illumina
Classification: Uncertain significance for Chondrodysplasia Blomstrand type. Last evaluated: 2018-01-12. Review status: criteria provided, single submitter. Criteria: ICSL Variant Classification Criteria 13 December 2019. Collection method: clinical testing. Allele origin: germline.

Illumina Laboratory Services, Illumina
Classification: Uncertain significance for Metaphyseal chondrodysplasia, Jansen type. Last evaluated: 2018-01-12. Review status: criteria provided, single submitter. Criteria: ICSL Variant Classification Criteria 13 December 2019. Collection method: clinical testing. Allele origin: germline.

PreventionGenetics, part of Exact Sciences
Classification: Uncertain significance for PTH1R-related condition. Last evaluated: 2024-04-28. Review status: no assertion criteria provided. Collection method: clinical testing. Allele origin: germline. Not counted in ClinVar's aggregate classification.
Comment: The PTH1R c.1586A>G variant is predicted to result in the amino acid substitution p.Asn529Ser. To our knowledge, this variant has not been reported in the literature. This variant is reported in 0.0087% of alleles in individuals of Latino descent in gnomAD. At this time, the clinical significance of this variant is uncertain due to the absence of conclusive functional and genetic evidence.